The following is an entry in ClinVar:

NM_024642.5(GALNT12):c.1250G>A (p.Arg417Gln)

Gene: GALNT12 (polypeptide N-acetylgalactosaminyltransferase 12; plus strand). Cytogenetic location: 9q22.33.
Variant type: single nucleotide variant.
Coding change: c.1250G>A on transcript NM_024642.5 (MANE Select); coding-DNA position 1250, G replaced by A.
Protein change: p.Arg417Gln; replaces arginine 417 with glutamine.
Molecular consequence: missense variant.
Genome position (GRCh38, 1-based): chr9:98,840,039, G>A. VCF-style: chr9-98840039-G-A. GRCh37 (hg19) VCF-style: chr9-101602321-G-A.
Other names: short protein forms R417Q.
Identifiers: ClinVar variation 1760666 (VCV001760666.7), dbSNP rs752104260, ClinGen allele CA374220953.
Genomic context (GRCh38, chr9:98,840,039, plus strand): 5'-TCACTGTTTTGTTGTTTTCTCAGGAACCTTTTGGGGATGTGACAGAGAGGAAGCAGCTCC[G>A]GGACAAGCTCCAGTGTAAAGACTTCAAGTGGTTCTTGGAGACTGTGTATCCAGAACTGCA-3'
Protein context (NP_078918.3, residues 407-427): FGDVTERKQL[Arg417Gln]DKLQCKDFKW

ClinVar aggregate classification (germline): Uncertain significance. Review status: criteria provided, multiple submitters, no conflicts (2 of 4 stars). 3 submissions from 3 submitters: Uncertain significance (3). Last evaluated 2024-01-19.

Conditions:
Colorectal cancer, susceptibility to, 1. Also called: COLORECTAL ADENOMA AND CANCER, SUSCEPTIBILITY TO; COLORECTAL CANCER, SUSCEPTIBILITY TO, ON CHROMOSOME 9. Identifiers: MedGen C1837315, MONDO:0012132, OMIM 608812.

gnomAD v4.1: 6 of 1,614,124 alleles (0.00037%); highest among the groups gnomAD compares: Non-Finnish European, 0.00042%; no homozygotes.

Submissions (3):

Baylor Genetics
Classification: Uncertain significance for Colorectal cancer, susceptibility to, 1. Last evaluated: 2024-01-19. Review status: criteria provided, single submitter. Criteria: ACMG Guidelines, 2015. Collection method: clinical testing. Allele origin: unknown.

Labcorp Genetics (formerly Invitae), Labcorp
Classification: Uncertain significance. Last evaluated: 2023-11-05. Review status: criteria provided, single submitter. Criteria: Invitae Variant Classification Sherloc (09022015). Collection method: clinical testing. Allele origin: germline.
Comment: This sequence change replaces arginine, which is basic and polar, with glutamine, which is neutral and polar, at codon 417 of the GALNT12 protein (p.Arg417Gln). This variant is not present in population databases (gnomAD no frequency). This variant has not been reported in the literature in individuals affected with GALNT12-related conditions. ClinVar contains an entry for this variant (Variation ID: 1760666). Advanced modeling of protein sequence and biophysical properties (such as structural, functional, and spatial information, amino acid conservation, physicochemical variation, residue mobility, and thermodynamic stability) performed at Invitae indicates that this missense variant is not expected to disrupt GALNT12 protein function with a negative predictive value of 80%. In summary, the available evidence is currently insufficient to determine the role of this variant in disease. Therefore, it has been classified as a Variant of Uncertain Significance.

Ambry Genetics
Classification: Uncertain significance. Last evaluated: 2023-08-01. Review status: criteria provided, single submitter. Criteria: Ambry Variant Classification Scheme 2023. Collection method: clinical testing. Allele origin: germline.
Comment: The p.R417Q variant (also known as c.1250G>A), located in coding exon 7 of the GALNT12 gene, results from a G to A substitution at nucleotide position 1250. The arginine at codon 417 is replaced by glutamine, an amino acid with highly similar properties. This amino acid position is highly conserved in available vertebrate species. In addition, this alteration is predicted to be deleterious by in silico analysis. Since supporting evidence is limited at this time, the clinical significance of this alteration remains unclear.